The following is an entry in ClinVar:

ClinVar aggregate classification (germline): Uncertain significance (1 of 4 stars; one submission).

gnomAD v4.1: 1 of 1,613,254 alleles (0.000062%); highest among the groups gnomAD compares: Non-Finnish European, 0.000085%; no homozygotes.

Submission:

Labcorp Genetics (formerly Invitae), Labcorp
Classification: Uncertain significance. Last evaluated: 2026-01-27. Review status: criteria provided, single submitter. Criteria: Invitae Variant Classification Sherloc (09022015). Collection method: clinical testing. Allele origin: germline.
Comment: This sequence change replaces arginine, which is basic and polar, with serine, which is neutral and polar, at codon 467 of the TCIRG1 protein (p.Arg467Ser). This variant is not present in population databases (gnomAD no frequency). This variant has not been reported in the literature in individuals affected with TCIRG1-related conditions. ClinVar contains an entry for this variant (Variation ID: 1385314). Invitae Evidence Modeling of protein sequence and biophysical properties (such as structural, functional, and spatial information, amino acid conservation, physicochemical variation, residue mobility, and thermodynamic stability) indicates that this missense variant is expected to disrupt TCIRG1 protein function with a positive predictive value of 80%. In summary, the available evidence is currently insufficient to determine the role of this variant in disease. Therefore, it has been classified as a Variant of Uncertain Significance.

NM_006019.4(TCIRG1):c.1399C>A (p.Arg467Ser)

Gene: TCIRG1 (T cell immune regulator 1, ATPase H+ transporting V0 subunit a3; plus strand). Cytogenetic location: 11q13.2.
Variant type: single nucleotide variant.
Coding change: c.1399C>A on transcript NM_006019.4 (MANE Select); coding-DNA position 1399, C replaced by A.
Protein change: p.Arg467Ser; replaces arginine 467 with serine.
Molecular consequence: missense variant.
Genome position (GRCh38, 1-based): chr11:68,047,740, C>A. VCF-style: chr11-68047740-C-A. GRCh37 (hg19) VCF-style: chr11-67815207-C-A.
Other names: c.505C>A, p.Arg169Ser (NM_001351059.2); c.751C>A, p.Arg251Ser (NM_006053.4); short protein forms R251S, R467S, R169S.
Identifiers: ClinVar variation 1385314 (VCV001385314.6), dbSNP rs774863206, ClinGen allele CA381583998.